The following is an entry in ClinVar:

ClinVar aggregate classification (germline): Uncertain significance (1 of 4 stars; one submission).

Conditions:
T-cell immunodeficiency, congenital alopecia, and nail dystrophy. Also called: Congenital alopecia and nail dystrophy associated with severe functional T-cell immunodeficiency; Pignata Guarino syndrome. Identifiers: Orphanet 169095, MedGen C1866426, MONDO:0011132, OMIM 601705.

Allele frequency attached by ClinVar (database versions not stated): gnomAD exomes below 0.00001.
gnomAD v4.1: 1 of 1,613,688 alleles (0.000062%); highest among the groups gnomAD compares: Non-Finnish European, 0.000085%; no homozygotes.

Submission:

Labcorp Genetics (formerly Invitae), Labcorp
Classification: Uncertain significance for T-cell immunodeficiency, congenital alopecia, and nail dystrophy. Last evaluated: 2024-07-01. Review status: criteria provided, single submitter. Criteria: Invitae Variant Classification Sherloc (09022015). Collection method: clinical testing. Allele origin: germline.
Comment: This sequence change replaces serine, which is neutral and polar, with leucine, which is neutral and non-polar, at codon 94 of the FOXN1 protein (p.Ser94Leu). This variant is not present in population databases (gnomAD no frequency). This variant has not been reported in the literature in individuals affected with FOXN1-related conditions. Advanced modeling of protein sequence and biophysical properties (such as structural, functional, and spatial information, amino acid conservation, physicochemical variation, residue mobility, and thermodynamic stability) performed at Invitae indicates that this missense variant is not expected to disrupt FOXN1 protein function with a negative predictive value of 80%. In summary, the available evidence is currently insufficient to determine the role of this variant in disease. Therefore, it has been classified as a Variant of Uncertain Significance.

NM_001369369.1(FOXN1):c.281C>T (p.Ser94Leu)

Gene: FOXN1 (forkhead box N1; plus strand). Cytogenetic location: 17q11.2.
Variant type: single nucleotide variant.
Coding change: c.281C>T on transcript NM_001369369.1 (MANE Select); coding-DNA position 281, C replaced by T.
Protein change: p.Ser94Leu; replaces serine 94 with leucine.
Molecular consequence: missense variant.
Genome position (GRCh38, 1-based): chr17:28,524,660, C>T. VCF-style: chr17-28524660-C-T. GRCh37 (hg19) VCF-style: chr17-26851678-C-T.
Other names: c.281C>T, p.Ser94Leu (NM_003593.3); short protein forms S94L.
Identifiers: ClinVar variation 2838405 (VCV002838405.3), dbSNP rs2069723230, ClinGen allele CA398321043.